The following is an entry in ClinVar:

NM_001004334.4(GPR179):c.3010C>A (p.Gln1004Lys)

Gene: GPR179 (G protein-coupled receptor 179; minus strand). Cytogenetic location: 17q12.
Variant type: single nucleotide variant.
Coding change: c.3010C>A on transcript NM_001004334.4 (MANE Select); coding-DNA position 3010, C replaced by A.
Protein change: p.Gln1004Lys; replaces glutamine 1004 with lysine.
Molecular consequence: missense variant.
Genome position (GRCh38, 1-based): chr17:38,330,559, G>T on the plus strand (C>A on the coding strand, the complement: GPR179 is on the minus strand). VCF-style: chr17-38330559-G-T. GRCh37 (hg19) VCF-style: chr17-36486442-G-T.
Other names: short protein forms Q1004K.
Identifiers: ClinVar variation 1715438 (VCV001715438.5), dbSNP rs2512161853, ClinGen allele CA398880858.

ClinVar aggregate classification (germline): Uncertain significance (1 of 4 stars; one submission).

Allele frequency attached by ClinVar (database versions not stated): gnomAD exomes below 0.00001.
gnomAD v4.1: 1 of 1,572,234 alleles (0.000064%); highest among the groups gnomAD compares: Non-Finnish European, 0.000086%; no homozygotes.

Submission:

Labcorp Genetics (formerly Invitae), Labcorp
Classification: Uncertain significance. Last evaluated: 2025-01-06. Review status: criteria provided, single submitter. Criteria: Invitae Variant Classification Sherloc (09022015). Collection method: clinical testing. Allele origin: germline.
Comment: This sequence change replaces glutamine, which is neutral and polar, with lysine, which is basic and polar, at codon 1004 of the GPR179 protein (p.Gln1004Lys). This variant is not present in population databases (gnomAD no frequency). This variant has not been reported in the literature in individuals affected with GPR179-related conditions. ClinVar contains an entry for this variant (Variation ID: 1715438). An algorithm developed to predict the effect of missense changes on protein structure and function outputs the following: PolyPhen-2: "Benign". The lysine amino acid residue is found in multiple mammalian species, which suggests that this missense change does not adversely affect protein function. In summary, the available evidence is currently insufficient to determine the role of this variant in disease. Therefore, it has been classified as a Variant of Uncertain Significance.